The following is an entry in ClinVar:

NM_020987.5(ANK3):c.6462T>G (p.His2154Gln)

Gene: ANK3 (ankyrin 3; minus strand). Cytogenetic location: 10q21.2.
Variant type: single nucleotide variant.
Coding change: c.6462T>G on transcript NM_020987.5 (MANE Select); coding-DNA position 6462, T replaced by G.
Protein change: p.His2154Gln; replaces histidine 2154 with glutamine.
Molecular consequence: missense variant. On other transcripts: intron variant (4).
Genome position (GRCh38, 1-based): chr10:60,074,419, A>C on the plus strand (T>G on the coding strand, the complement: ANK3 is on the minus strand). VCF-style: chr10-60074419-A-C. GRCh37 (hg19) VCF-style: chr10-61834177-A-C.
Other names: c.4387+6118T>G (NM_001204403.2); c.4408+6118T>G (NM_001204404.2); c.4405+6118T>G (NM_001320874.2); c.1807+6118T>G (NM_001149.4); short protein forms H2154Q.
Identifiers: ClinVar variation 2077254 (VCV002077254.4), dbSNP rs759164375, ClinGen allele CA5511881.
Genomic context (GRCh38, chr10:60,074,419, plus strand): 5'-CCTGATAACATGAACCACTTCAGTTCTTGTTTCTGTAATGACAGGAGGGATGGGAACTTC[A>C]TGAAAAAGTGGTTTAGGACCAGTGCTTTCAGCGCTTTGTGGGGCTGAAGGTGTCTTTTCA-3'
Protein context (NP_066267.2, residues 2144-2164): AESTGPKPLF[His2154Gln]EVPIPPVITE

ClinVar aggregate classification (germline): Uncertain significance (1 of 4 stars; one submission).

Allele frequency attached by ClinVar (database versions not stated): gnomAD exomes below 0.00001; gnomAD 0.00001; ExAC 0.00001; TOPMed 0.00002.
gnomAD v4.1: 9 of 1,614,010 alleles (0.00056%); highest among the groups gnomAD compares: Middle Eastern, 0.033%; no homozygotes.

Submission:

Labcorp Genetics (formerly Invitae), Labcorp
Classification: Uncertain significance. Last evaluated: 2023-06-23. Review status: criteria provided, single submitter. Criteria: Invitae Variant Classification Sherloc (09022015). Collection method: clinical testing. Allele origin: germline.
Comment: ClinVar contains an entry for this variant (Variation ID: 2077254). This variant has not been reported in the literature in individuals affected with ANK3-related conditions. This variant is present in population databases (rs759164375, gnomAD 0.0009%). This sequence change replaces histidine, which is basic and polar, with glutamine, which is neutral and polar, at codon 2154 of the ANK3 protein (p.His2154Gln). Advanced modeling of protein sequence and biophysical properties (such as structural, functional, and spatial information, amino acid conservation, physicochemical variation, residue mobility, and thermodynamic stability) performed at Invitae indicates that this missense variant is not expected to disrupt ANK3 protein function. In summary, the available evidence is currently insufficient to determine the role of this variant in disease. Therefore, it has been classified as a Variant of Uncertain Significance.